The following is an entry in ClinVar:

ClinVar aggregate classification (germline): Benign (0 of 4 stars; one submission).

Conditions:
KIF4A-related disorder. Also called: KIF4A-related condition.

Allele frequency attached by ClinVar (database versions not stated): ExAC 0.00082; gnomAD 0.00185; TOPMed 0.00202; ESP Exome Variant Server 0.00275; 1000 Genomes Project 30x 0.00541; 1000 Genomes Project 0.00556.
gnomAD v4.1: 445 of 1,208,034 alleles (0.037%); highest among the groups gnomAD compares: African/African-American, 0.67%; 3 homozygotes.

Submission:

PreventionGenetics, part of Exact Sciences
Classification: Benign for KIF4A-related condition. Last evaluated: 2024-07-22. Review status: no assertion criteria provided. Collection method: clinical testing. Allele origin: germline.
Comment: This variant is classified as benign based on ACMG/AMP sequence variant interpretation guidelines (Richards et al. 2015 PMID: 25741868, with internal and published modifications).

NM_012310.5(KIF4A):c.3438C>T (p.Thr1146=)

Gene: KIF4A (kinesin family member 4A; plus strand). Cytogenetic location: Xq13.1.
Variant type: single nucleotide variant.
Coding change: c.3438C>T on transcript NM_012310.5 (MANE Select); coding-DNA position 3438, C replaced by T.
Protein change: p.Thr1146=; no amino-acid change (threonine 1146 retained).
Molecular consequence: synonymous variant.
Genome position (GRCh38, 1-based): chrX:70,419,726, C>T. VCF-style: chrX-70419726-C-T. GRCh37 (hg19) VCF-style: chrX-69639576-C-T.
Identifiers: ClinVar variation 3045356 (VCV003045356.2), dbSNP rs61747653, ClinGen allele CA10441487.